The following is an entry in ClinVar:

NM_014889.4(PITRM1):c.2599G>A (p.Gly867Ser)

Genes: PITRM1-AS1 (PITRM1 antisense RNA 1; plus strand), PITRM1 (pitrilysin metallopeptidase 1; minus strand). Cytogenetic location: 10p15.2.
Variant type: single nucleotide variant.
Coding change: c.2599G>A on transcript NM_014889.4 (MANE Select); coding-DNA position 2599, G replaced by A.
Protein change: p.Gly867Ser; replaces glycine 867 with serine.
Molecular consequence: missense variant. On other transcripts: non-coding transcript variant (4).
Genome position (GRCh38, 1-based): chr10:3,143,435, C>T on the plus strand (G>A on the coding strand, the complement: PITRM1 is on the minus strand). VCF-style: chr10-3143435-C-T. GRCh37 (hg19) VCF-style: chr10-3185627-C-T.
Other names: c.2602G>A, p.Gly868Ser (NM_001242307.2); c.2305G>A, p.Gly769Ser (NM_001242309.1); c.2401G>A, p.Gly801Ser (NM_001347725.2); c.1786G>A, p.Gly596Ser (NM_001347726.2); c.1984G>A, p.Gly662Ser (NM_001347727.2); c.1294G>A, p.Gly432Ser (NM_001347728.2); c.2575G>A, p.Gly859Ser (NM_001347729.1); c.2377G>A, p.Gly793Ser (NM_001347730.1); short protein forms G793S, G859S, G662S, G868S, G432S, G596S, G769S, G801S.
Identifiers: ClinVar variation 2132166 (VCV002132166.4), dbSNP rs2491659409, ClinGen allele CA375868584.
Genomic context (GRCh38, chr10:3,143,435, plus strand): 5'-CTACACCCTCCTACCTGGCATGATCTGGGTCCGTGTAGGGGACAGTTCGGATGCATTCAC[C>T]CACGTAATTCACCGGGAAGGGCATCAGGAAGTGAGTCTTCATCTGCCAGGGCTTGAAGGT-3'
Protein context (NP_055704.2, residues 857-877): FLMPFPVNYV[Gly867Ser]ECIRTVPYTD

ClinVar aggregate classification (germline): Uncertain significance (1 of 4 stars; one submission).

Submission:

Labcorp Genetics (formerly Invitae), Labcorp
Classification: Uncertain significance. Last evaluated: 2022-04-30. Review status: criteria provided, single submitter. Criteria: Invitae Variant Classification Sherloc (09022015). Collection method: clinical testing. Allele origin: germline.
Comment: Algorithms developed to predict the effect of sequence changes on RNA splicing suggest that this variant may create or strengthen a splice site. Algorithms developed to predict the effect of missense changes on protein structure and function (SIFT, PolyPhen-2, Align-GVGD) all suggest that this variant is likely to be tolerated. In summary, the available evidence is currently insufficient to determine the role of this variant in disease. Therefore, it has been classified as a Variant of Uncertain Significance. This sequence change replaces glycine, which is neutral and non-polar, with serine, which is neutral and polar, at codon 769 of the PITRM1 protein (p.Gly769Ser). This variant has not been reported in the literature in individuals affected with PITRM1-related conditions. This variant is not present in population databases (gnomAD no frequency).